The following is an entry in ClinVar:

ClinVar aggregate classification (germline): Conflicting classifications of pathogenicity. Review status: criteria provided, conflicting classifications (1 of 4 stars). 2 submissions from 2 submitters: Uncertain significance (1); Likely benign (1). Last evaluated 2024-06-26.

gnomAD v4.1: 33 of 1,614,002 alleles (0.002%); highest among the groups gnomAD compares: Non-Finnish European, 0.0025%; no homozygotes.

Submissions (2):

Labcorp Genetics (formerly Invitae), Labcorp
Classification: Uncertain significance. Last evaluated: 2024-06-26. Review status: criteria provided, single submitter. Criteria: Invitae Variant Classification Sherloc (09022015). Collection method: clinical testing. Allele origin: germline.
Comment: This sequence change affects codon 688 of the SRCAP mRNA. It is a 'silent' change, meaning that it does not change the encoded amino acid sequence of the SRCAP protein. This variant is not present in population databases (gnomAD no frequency). This variant has not been reported in the literature in individuals affected with SRCAP-related conditions. Experimental studies and prediction algorithms are not available or were not evaluated, and the effect of this variant on mRNA splicing is currently unknown. In summary, the available evidence is currently insufficient to determine the role of this variant in disease. Therefore, it has been classified as a Variant of Uncertain Significance.

CeGaT Center for Human Genetics Tuebingen
Classification: Likely benign. Last evaluated: 2023-04-01. Review status: criteria provided, single submitter. Criteria: CeGaT Center For Human Genetics Tuebingen Variant Classification Criteria Version 2. Collection method: clinical testing. Allele origin: germline. Affected: yes. Observed: 1 variant allele.
Comment: SRCAP: PM2:Supporting, BP4, BP7

NM_006662.3(SRCAP):c.2064G>C (p.Arg688=)

Gene: SRCAP (Snf2 related CREBBP activator protein; plus strand). Cytogenetic location: 16p11.2.
Variant type: single nucleotide variant.
Coding change: c.2064G>C on transcript NM_006662.3 (MANE Select); coding-DNA position 2064, G replaced by C.
Protein change: p.Arg688=; no amino-acid change (arginine 688 retained).
Molecular consequence: synonymous variant.
Genome position (GRCh38, 1-based): chr16:30,712,749, G>C. VCF-style: chr16-30712749-G-C. GRCh37 (hg19) VCF-style: chr16-30724070-G-C.
Identifiers: ClinVar variation 2646392 (VCV002646392.26), dbSNP rs4889500, ClinGen allele CA494668650.